The following is an entry in ClinVar:

ClinVar aggregate classification (germline): Uncertain significance (1 of 4 stars; one submission).

Conditions:
Familial adenomatous polyposis 1 (FAP1). Also called: FAMILIAL ADENOMATOUS POLYPOSIS 1, ATTENUATED; POLYPOSIS, ADENOMATOUS INTESTINAL. Identifiers: MedGen C2713442, MONDO:0021056, OMIM 175100. Disease mechanism: loss of function.

Submission:

Labcorp Genetics (formerly Invitae), Labcorp
Classification: Uncertain significance for Familial adenomatous polyposis 1. Last evaluated: 2023-03-19. Review status: criteria provided, single submitter. Criteria: Invitae Variant Classification Sherloc (09022015). Collection method: clinical testing. Allele origin: germline.
Comment: This variant is not present in population databases (gnomAD no frequency). This variant has not been reported in the literature in individuals affected with APC-related conditions. Advanced modeling of protein sequence and biophysical properties (such as structural, functional, and spatial information, amino acid conservation, physicochemical variation, residue mobility, and thermodynamic stability) performed at Invitae indicates that this missense variant is not expected to disrupt APC protein function. In summary, the available evidence is currently insufficient to determine the role of this variant in disease. Therefore, it has been classified as a Variant of Uncertain Significance. This sequence change replaces serine, which is neutral and polar, with glycine, which is neutral and non-polar, at codon 2390 of the APC protein (p.Ser2390Gly).

NM_000038.6(APC):c.7168A>G (p.Ser2390Gly)

Gene: APC (APC regulator of Wnt signaling pathway; plus strand). Cytogenetic location: 5q22.2.
Variant type: single nucleotide variant.
Coding change: c.7168A>G on transcript NM_000038.6 (MANE Select); coding-DNA position 7168, A replaced by G.
Protein change: p.Ser2390Gly; replaces serine 2390 with glycine.
Molecular consequence: missense variant. On other transcripts: non-coding transcript variant (2).
Genome position (GRCh38, 1-based): chr5:112,842,762, A>G. VCF-style: chr5-112842762-A-G. GRCh37 (hg19) VCF-style: chr5-112178459-A-G.
Other names: c.7168A>G, p.Ser2390Gly (NM_001127510.3, NM_001354895.2, NM_001407450.1); c.7114A>G, p.Ser2372Gly (NM_001127511.3); c.7222A>G, p.Ser2408Gly (NM_001354896.2, NM_001407447.1, NM_001407448.1 and 1 more transcripts); c.7198A>G, p.Ser2400Gly (NM_001354897.2); c.7093A>G, p.Ser2365Gly (NM_001354898.2); c.7084A>G, p.Ser2362Gly (NM_001354899.2); c.7045A>G, p.Ser2349Gly (NM_001354900.2); c.6991A>G, p.Ser2331Gly (NM_001354901.2, NM_001407453.1); and 11 more; short protein forms S2006G, S2365G, S2390G, S2107G, S2264G, S2289G, S2299G, S2331G.
Identifiers: ClinVar variation 2847298 (VCV002847298.3), dbSNP rs995437919, ClinGen allele CA16036942.
Genomic context (GRCh38, chr5:112,842,762, plus strand): 5'-GGTAGACAGATGAGCCAACAGAACCTTACCAAACAAACAGGTTTATCCAAGAATGCCAGT[A>G]GTATTCCAAGAAGTGAGTCTGCCTCCAAAGGACTAAATCAGATGAATAATGGTAATGGAG-3'
Protein context (NP_000029.2, residues 2380-2400): KQTGLSKNAS[Ser2390Gly]IPRSESASKG